The following is an entry in ClinVar:

NM_002693.3(POLG):c.2157+6C>T

Gene: POLG (DNA polymerase gamma, catalytic subunit; minus strand). Cytogenetic location: 15q26.1.
Variant type: single nucleotide variant.
Coding change: c.2157+6C>T on transcript NM_002693.3 (MANE Select); 6 bases into the intron after coding-DNA position 2157, C replaced by T.
Molecular consequence: intron variant.
Genome position (GRCh38, 1-based): chr15:89,323,809, G>A on the plus strand (C>T on the coding strand, the complement: POLG is on the minus strand). VCF-style: chr15-89323809-G-A. GRCh37 (hg19) VCF-style: chr15-89867040-G-A.
Other names: c.2157+6C>T (NM_001126131.2).
Identifiers: ClinVar variation 658769 (VCV000658769.9), dbSNP rs1596354603, ClinGen allele CA915946103.

ClinVar aggregate classification (germline): Uncertain significance (1 of 4 stars; one submission).

Conditions:
Progressive sclerosing poliodystrophy (MTDPS4A). Also called: ALPERS PROGRESSIVE INFANTILE POLIODYSTROPHY; ALPERS DIFFUSE DEGENERATION OF CEREBRAL GRAY MATTER WITH HEPATIC CIRRHOSIS; Alpers-Huttenlocher Syndrome; Mitochondrial DNA depletion syndrome 4A (Alpers type); Alpers-Huttenlocher Syndrome (AHS); NEURONAL DEGENERATION OF CHILDHOOD WITH LIVER DISEASE, PROGRESSIVE. Identifiers: Orphanet 726, MedGen C0205710, MONDO:0008758, OMIM 203700.

Submission:

Labcorp Genetics (formerly Invitae), Labcorp
Classification: Uncertain significance for Progressive sclerosing poliodystrophy. Last evaluated: 2020-01-28. Review status: criteria provided, single submitter. Criteria: Invitae Variant Classification Sherloc (09022015). Collection method: clinical testing. Allele origin: germline.
Comment: This variant is not present in population databases (ExAC no frequency). This sequence change falls in intron 12 of the POLG gene. It does not directly change the encoded amino acid sequence of the POLG protein, but it affects a nucleotide within the consensus splice site of the intron. In summary, the available evidence is currently insufficient to determine the role of this variant in disease. Therefore, it has been classified as a Variant of Uncertain Significance. Nucleotide substitutions within the consensus splice site are a relatively common cause of aberrant splicing (PMID: 17576681, 9536098). Algorithms developed to predict the effect of sequence changes on RNA splicing suggest that this variant is not likely to affect RNA splicing, but this prediction has not been confirmed by published transcriptional studies. This variant has not been reported in the literature in individuals with POLG-related disease.

Literature cited by the submitters: PubMed 17576681; PubMed 9536098.